The following is an entry in ClinVar:

NM_000565.4(IL6R):c.580G>A (p.Val194Ile)

Gene: IL6R (interleukin 6 receptor; plus strand). Cytogenetic location: 1q21.3.
Variant type: single nucleotide variant.
Coding change: c.580G>A on transcript NM_000565.4 (MANE Select); coding-DNA position 580, G replaced by A.
Protein change: p.Val194Ile; replaces valine 194 with isoleucine.
Molecular consequence: missense variant.
Genome position (GRCh38, 1-based): chr1:154,434,640, G>A. VCF-style: chr1-154434640-G-A. GRCh37 (hg19) VCF-style: chr1-154407116-G-A.
Other names: c.580G>A, p.Val194Ile (NM_001206866.2, NM_001382769.1, NM_001382770.1 and 4 more transcripts); c.220G>A, p.Val74Ile (NM_001382774.1); short protein forms V74I, V194I.
Identifiers: ClinVar variation 1933911 (VCV001933911.4), dbSNP rs764209461, ClinGen allele CA1129058.

ClinVar aggregate classification (germline): Uncertain significance (1 of 4 stars; one submission).

Allele frequency attached by ClinVar (database versions not stated): ExAC 0.00001; gnomAD exomes 0.00001; gnomAD 0.00002; TOPMed 0.00002.
gnomAD v4.1: 23 of 1,614,166 alleles (0.0014%); highest among the groups gnomAD compares: Middle Eastern, 0.016%; no homozygotes.

Submission:

Labcorp Genetics (formerly Invitae), Labcorp
Classification: Uncertain significance. Last evaluated: 2022-06-19. Review status: criteria provided, single submitter. Criteria: Invitae Variant Classification Sherloc (09022015). Collection method: clinical testing. Allele origin: germline.
Comment: This sequence change replaces valine, which is neutral and non-polar, with isoleucine, which is neutral and non-polar, at codon 194 of the IL6R protein (p.Val194Ile). This variant is present in population databases (rs764209461, gnomAD 0.02%). In summary, the available evidence is currently insufficient to determine the role of this variant in disease. Therefore, it has been classified as a Variant of Uncertain Significance. Algorithms developed to predict the effect of sequence changes on RNA splicing suggest that this variant may disrupt the consensus splice site. Algorithms developed to predict the effect of missense changes on protein structure and function are either unavailable or do not agree on the potential impact of this missense change (SIFT: "Deleterious"; PolyPhen-2: "Benign"; Align-GVGD: "Class C25"). This variant has not been reported in the literature in individuals affected with IL6R-related conditions.